The following is an entry in ClinVar:

NM_001371623.1(TCOF1):c.1823C>T (p.Ser608Leu)

Gene: TCOF1 (treacle ribosome biogenesis factor 1; plus strand). Cytogenetic location: 5q32.
Variant type: single nucleotide variant.
Coding change: c.1823C>T on transcript NM_001371623.1 (MANE Select); coding-DNA position 1823, C replaced by T.
Protein change: p.Ser608Leu; replaces serine 608 with leucine.
Molecular consequence: missense variant.
Genome position (GRCh38, 1-based): chr5:150,375,839, C>T. VCF-style: chr5-150375839-C-T. GRCh37 (hg19) VCF-style: chr5-149755402-C-T.
Other names: c.1823C>T, p.Ser608Leu (NM_001135244.2, NM_001195141.2, NM_001008657.3 and 1 more transcripts); c.1592C>T, p.Ser531Leu (NM_001135245.2, NM_000356.4); c.1823C>T (NM_001135243.1); short protein forms S608L, S531L.
Identifiers: ClinVar variation 2730161 (VCV002730161.4), dbSNP rs753785087, ClinGen allele CA3511012.

ClinVar aggregate classification (germline): Uncertain significance. Review status: criteria provided, multiple submitters, no conflicts (2 of 4 stars). 2 submissions from 2 submitters: Uncertain significance (2). Last evaluated 2024-05-15.

Conditions:
Treacher Collins syndrome 1 (TCS1). Also called: TCOF1-Related Treacher Collins Syndrome. Identifiers: Orphanet 861, MedGen CN315775, MONDO:0007944, OMIM 154500.
Inborn genetic diseases. Identifiers: MedGen C0950123, MeSH D030342.

Allele frequency attached by ClinVar (database versions not stated): ExAC 0.00001; gnomAD 0.00001; gnomAD exomes 0.00001; TOPMed 0.00001.

Submissions (2):

Ambry Genetics
Classification: Uncertain significance for Inborn genetic diseases. Last evaluated: 2024-05-15. Review status: criteria provided, single submitter. Criteria: Ambry Variant Classification Scheme 2023. Collection method: clinical testing. Allele origin: germline.

Labcorp Genetics (formerly Invitae), Labcorp
Classification: Uncertain significance for Treacher Collins syndrome 1. Last evaluated: 2023-08-17. Review status: criteria provided, single submitter. Criteria: Invitae Variant Classification Sherloc (09022015). Collection method: clinical testing. Allele origin: germline.
Comment: In summary, the available evidence is currently insufficient to determine the role of this variant in disease. Therefore, it has been classified as a Variant of Uncertain Significance. Advanced modeling of protein sequence and biophysical properties (such as structural, functional, and spatial information, amino acid conservation, physicochemical variation, residue mobility, and thermodynamic stability) has been performed at Invitae for this missense variant, however the output from this modeling did not meet the statistical confidence thresholds required to predict the impact of this variant on TCOF1 protein function. This sequence change replaces serine, which is neutral and polar, with leucine, which is neutral and non-polar, at codon 608 of the TCOF1 protein (p.Ser608Leu). This variant is present in population databases (rs753785087, gnomAD 0.003%). This variant has not been reported in the literature in individuals affected with TCOF1-related conditions. This missense change has been observed in at least one individual who was not affected with TCOF1-related conditions (Invitae).